The following is an entry in ClinVar:

NM_015047.3(EMC1):c.1256A>G (p.Tyr419Cys)

Genes: EMC1 (ER membrane protein complex subunit 1; minus strand), EMC1-AS1 (EMC1 antisense RNA 1; plus strand). Cytogenetic location: 1p36.13.
Variant type: single nucleotide variant.
Coding change: c.1256A>G on transcript NM_015047.3 (MANE Select); coding-DNA position 1256, A replaced by G.
Protein change: p.Tyr419Cys; replaces tyrosine 419 with cysteine.
Molecular consequence: missense variant.
Genome position (GRCh38, 1-based): chr1:19,237,195, T>C on the plus strand (A>G on the coding strand, the complement: EMC1 is on the minus strand). VCF-style: chr1-19237195-T-C. GRCh37 (hg19) VCF-style: chr1-19563689-T-C.
Other names: c.1253A>G, p.Tyr418Cys (NM_001271427.2, NM_001375821.1); c.1256A>G, p.Tyr419Cys (NM_001271428.2, NM_001375820.1); c.1190A>G, p.Tyr397Cys (NM_001271429.2); short protein forms Y419C, Y418C, Y397C.
Identifiers: ClinVar variation 2746901 (VCV002746901.3), dbSNP rs2536760643, ClinGen allele CA338765595.

ClinVar aggregate classification (germline): Uncertain significance (1 of 4 stars; one submission).

Allele frequency attached by ClinVar (database versions not stated): gnomAD exomes below 0.00001.
gnomAD v4.1: 2 of 1,614,090 alleles (0.00012%); highest among the groups gnomAD compares: Non-Finnish European, 0.00017%; no homozygotes.

Submission:

Labcorp Genetics (formerly Invitae), Labcorp
Classification: Uncertain significance. Last evaluated: 2025-02-26. Review status: criteria provided, single submitter. Criteria: Invitae Variant Classification Sherloc (09022015). Collection method: clinical testing. Allele origin: germline.
Comment: This sequence change replaces tyrosine, which is neutral and polar, with cysteine, which is neutral and slightly polar, at codon 419 of the EMC1 protein (p.Tyr419Cys). This variant is not present in population databases (gnomAD no frequency). This variant has not been reported in the literature in individuals affected with EMC1-related conditions. ClinVar contains an entry for this variant (Variation ID: 2746901). Invitae Evidence Modeling of protein sequence and biophysical properties (such as structural, functional, and spatial information, amino acid conservation, physicochemical variation, residue mobility, and thermodynamic stability) indicates that this missense variant is not expected to disrupt EMC1 protein function with a negative predictive value of 80%. In summary, the available evidence is currently insufficient to determine the role of this variant in disease. Therefore, it has been classified as a Variant of Uncertain Significance.